The following is an entry in ClinVar:

NM_001291088.2(WDR87):c.8208T>C (p.Phe2736=)

Gene: WDR87 (WD repeat domain 87; minus strand). Cytogenetic location: 19q13.13.
Variant type: single nucleotide variant.
Coding change: c.8208T>C on transcript NM_001291088.2 (MANE Select); coding-DNA position 8208, T replaced by C.
Protein change: p.Phe2736=; no amino-acid change (phenylalanine 2736 retained).
Molecular consequence: synonymous variant.
Genome position (GRCh38, 1-based): chr19:37,885,463, A>G on the plus strand (T>C on the coding strand, the complement: WDR87 is on the minus strand). VCF-style: chr19-37885463-A-G. GRCh37 (hg19) VCF-style: chr19-38376103-A-G.
Other names: c.8091T>C, p.Phe2697= (NM_031951.5).
Identifiers: ClinVar variation 677198 (VCV000677198.10), dbSNP rs73027454, ClinGen allele CA9408382.

ClinVar aggregate classification (germline): Benign. Review status: criteria provided, multiple submitters, no conflicts (2 of 4 stars). 3 submissions from 3 submitters: Benign (3). Last evaluated 2026-01-28.

Allele frequency attached by ClinVar (database versions not stated): gnomAD exomes 0.34024 and 0.29185; gnomAD 0.26364 and 0.26501; 1000 Genomes Project 0.19189; ESP Exome Variant Server 0.28909; ExAC 0.31136; 1000 Genomes Project 30x 0.19550; TOPMed 0.25729.

Submissions (3):

Labcorp Genetics (formerly Invitae), Labcorp
Classification: Benign. Last evaluated: 2026-01-28. Review status: criteria provided, single submitter. Criteria: Invitae Variant Classification Sherloc (09022015). Collection method: clinical testing. Allele origin: germline.

GeneDx
Classification: Benign. Last evaluated: 2018-04-12. Review status: criteria provided, single submitter. Criteria: GeneDx Variant Classification (06012015). Collection method: clinical testing. Allele origin: germline. Affected: yes.
Comment: This variant is considered likely benign or benign based on one or more of the following criteria: it is a conservative change, it occurs at a poorly conserved position in the protein, it is predicted to be benign by multiple in silico algorithms, and/or has population frequency not consistent with disease.

Breakthrough Genomics
Classification: Benign. Review status: criteria provided, single submitter. Criteria: ACMG Guidelines, 2015. Collection method: not provided. Allele origin: germline. Inheritance: Unknown mechanism. Affected: yes.